The following is an entry in ClinVar:

ClinVar aggregate classification (germline): Uncertain significance. Review status: criteria provided, multiple submitters, no conflicts (2 of 4 stars). 2 submissions from 2 submitters: Uncertain significance (2). Last evaluated 2026-05-26.

Conditions:
Hereditary cancer-predisposing syndrome. Also called: Tumor predisposition; Hereditary Cancer Syndrome; Hereditary neoplastic syndrome; Neoplastic Syndromes, Hereditary. Identifiers: Orphanet 140162, MedGen C0027672, MeSH D009386, MONDO:0015356.
Gastrointestinal stromal tumor. Also called: Gastrointestinal stroma tumor; Gastrointestinal stromal tumor, somatic. Identifiers: Orphanet 44890, MedGen C0238198, MeSH D046152, MONDO:0011719, OMIM 606764, HP:0100723.

Submissions (2):

Ambry Genetics
Classification: Uncertain significance for Hereditary cancer-predisposing syndrome. Last evaluated: 2026-05-26. Review status: criteria provided, single submitter. Criteria: Ambry Variant Classification Scheme 2023. Collection method: clinical testing. Allele origin: germline.

Labcorp Genetics (formerly Invitae), Labcorp
Classification: Uncertain significance for Gastrointestinal stromal tumor. Last evaluated: 2025-10-08. Review status: criteria provided, single submitter. Criteria: Invitae Variant Classification Sherloc (09022015). Collection method: clinical testing. Allele origin: germline.
Comment: This sequence change replaces methionine, which is neutral and non-polar, with valine, which is neutral and non-polar, at codon 425 of the KIT protein (p.Met425Val). This variant is not present in population databases (gnomAD no frequency). This variant has not been reported in the literature in individuals affected with KIT-related conditions. ClinVar contains an entry for this variant (Variation ID: 1426629). An algorithm developed to predict the effect of missense changes on protein structure and function outputs the following: PolyPhen-2: "Benign". The valine amino acid residue is found in multiple mammalian species, which suggests that this missense change does not adversely affect protein function. In summary, the available evidence is currently insufficient to determine the role of this variant in disease. Therefore, it has been classified as a Variant of Uncertain Significance.

NM_000222.3(KIT):c.1273A>G (p.Met425Val)

Gene: KIT (KIT proto-oncogene, receptor tyrosine kinase; plus strand). Cytogenetic location: 4q12.
Variant type: single nucleotide variant.
Coding change: c.1273A>G on transcript NM_000222.3 (MANE Select); coding-DNA position 1273, A replaced by G.
Protein change: p.Met425Val; replaces methionine 425 with valine.
Molecular consequence: missense variant.
Genome position (GRCh38, 1-based): chr4:54,723,625, A>G. VCF-style: chr4-54723625-A-G. GRCh37 (hg19) VCF-style: chr4-55589791-A-G.
Other names: c.1273A>G, p.Met425Val (NM_001093772.2, NM_001385285.1, NM_001385286.1); c.1276A>G, p.Met426Val (NM_001385284.1, NM_001385288.1, NM_001385290.1 and 1 more transcripts); short protein forms M425V, M426V.
Identifiers: ClinVar variation 1426629 (VCV001426629.11), dbSNP rs2109760798, ClinGen allele CA356905497.